The following is an entry in ClinVar:

ClinVar aggregate classification (germline): Uncertain significance (1 of 4 stars; one submission).

Conditions:
Hereditary cancer-predisposing syndrome. Also called: Tumor predisposition; Hereditary neoplastic syndrome; Hereditary Cancer Syndrome; Neoplastic Syndromes, Hereditary. Identifiers: Orphanet 140162, MedGen C0027672, MeSH D009386, MONDO:0015356.

Submission:

Ambry Genetics
Classification: Uncertain significance for Hereditary cancer-predisposing syndrome. Last evaluated: 2025-05-16. Review status: criteria provided, single submitter. Criteria: Ambry Variant Classification Scheme 2023. Collection method: clinical testing. Allele origin: germline.
Comment: The c.2271dupC variant, located in coding exon 18 of the POLD1 gene, results from a duplication of C at nucleotide position 2271, causing a translational frameshift with a predicted alternate stop codon (p.S758Lfs*13). This alteration is expected to result in protein truncation or nonsense-mediated mRNA decay. However, loss of function of POLD1 has not been established as a mechanism of disease. Based on the available evidence, the clinical significance of this alteration remains unclear.

NM_002691.4(POLD1):c.2271dup (p.Ser758fs)

Gene: POLD1 (DNA polymerase delta 1, catalytic subunit; plus strand). Cytogenetic location: 19q13.33.
Variant type: Duplication.
Coding change: c.2271dup on transcript NM_002691.4 (MANE Select); coding-DNA position 2271, one base duplicated (C; older notation c.2271dupC).
Protein change: p.Ser758fs; shifts the reading frame from serine 758.
Molecular consequence: frameshift variant. On other transcripts: non-coding transcript variant (1).
Genome position (GRCh38, 1-based): chr19:50,413,762, C duplicated. VCF-style (leftmost placement, unchanged base first): chr19-50413761-A-AC. GRCh37 (hg19) VCF-style: chr19-50917018-A-AC.
Other names: c.2271dup, p.Ser758fs (NM_001256849.1); c.2349dup, p.Ser784fs (NM_001308632.1); short protein forms S758fs, S784fs.
Identifiers: ClinVar variation 3935564 (VCV003935564.1).